The following is an entry in ClinVar:

NM_000784.4(CYP27A1):c.120C>T (p.Ala40=)

Gene: CYP27A1 (cytochrome P450 family 27 subfamily A member 1; plus strand). Cytogenetic location: 2q35.
Variant type: single nucleotide variant.
Coding change: c.120C>T on transcript NM_000784.4 (MANE Select); coding-DNA position 120, C replaced by T.
Protein change: p.Ala40=; no amino-acid change (alanine 40 retained).
Molecular consequence: synonymous variant.
Genome position (GRCh38, 1-based): chr2:218,782,302, C>T. VCF-style: chr2-218782302-C-T. GRCh37 (hg19) VCF-style: chr2-219647025-C-T.
Other names: c.120C>T (NM_000784.3).
Identifiers: ClinVar variation 285954 (VCV000285954.47), dbSNP rs150389057, ClinGen allele CA2112516.

ClinVar aggregate classification (germline): Conflicting classifications of pathogenicity. Review status: criteria provided, conflicting classifications (1 of 4 stars). 6 submissions from 6 submitters: Uncertain significance (1); Likely benign (3). 2 of the submissions do not count toward it. Last evaluated 2026-01-14.

Conditions:
CYP27A1-related disorder. Also called: CYP27A1-related condition.
Cardiovascular phenotype. Identifiers: MedGen CN230736.
Cholestanol storage disease (CTX). Also called: CEREBRAL CHOLESTERINOSIS; CTX: Cerebrotendinous xanthomatosis; Cerebrotendinous Xanthomatosis. Identifiers: Orphanet 909, MedGen C0238052, MONDO:0008948, OMIM 213700.

Allele frequency attached by ClinVar (database versions not stated): gnomAD exomes 0.00001 and 0.00005; ESP Exome Variant Server 0.00008; gnomAD 0.00014 and 0.00016; ExAC 0.00015; TOPMed 0.00020.
gnomAD v4.1: 46 of 1,606,830 alleles (0.0029%); highest among the groups gnomAD compares: African/African-American, 0.036%; no homozygotes.

Submissions (6):

Labcorp Genetics (formerly Invitae), Labcorp
Classification: Likely benign for Cholestanol storage disease. Last evaluated: 2026-01-14. Review status: criteria provided, single submitter. Criteria: Invitae Variant Classification Sherloc (09022015). Collection method: clinical testing. Allele origin: germline.

CeGaT Center for Human Genetics Tuebingen
Classification: Likely benign. Last evaluated: 2023-02-01. Review status: criteria provided, single submitter. Criteria: CeGaT Center For Human Genetics Tuebingen Variant Classification Criteria Version 2. Collection method: clinical testing. Allele origin: germline. Affected: yes. Observed: 1 variant allele.
Comment: CYP27A1: BP4, BP7

Ambry Genetics
Classification: Likely benign for Cardiovascular phenotype. Last evaluated: 2022-03-19. Review status: criteria provided, single submitter. Criteria: Ambry Variant Classification Scheme 2023. Collection method: clinical testing. Allele origin: germline.

Eurofins Ntd Llc (ga)
Classification: Uncertain significance. Last evaluated: 2017-02-07. Review status: criteria provided, single submitter. Criteria: EGL Classification Definitions 2015. Collection method: clinical testing. Allele origin: germline. Observed: 4 variant alleles, 4 heterozygotes.

Natera, Inc.
Classification: Likely benign for Cerebrotendinous xanthomatosis. Last evaluated: 2021-08-13. Review status: no assertion criteria provided. Collection method: clinical testing. Allele origin: germline. Not counted in ClinVar's aggregate classification.

PreventionGenetics, part of Exact Sciences
Classification: Likely benign for CYP27A1-related condition. Last evaluated: 2019-09-25. Review status: no assertion criteria provided. Collection method: clinical testing. Allele origin: germline. Not counted in ClinVar's aggregate classification.
Comment: This variant is classified as likely benign based on ACMG/AMP sequence variant interpretation guidelines (Richards et al. 2015 PMID: 25741868, with internal and published modifications).